The following is an entry in ClinVar:

ClinVar aggregate classification (germline): Uncertain significance (1 of 4 stars; one submission).

Conditions:
Hereditary cancer-predisposing syndrome. Also called: Neoplastic Syndromes, Hereditary; Tumor predisposition; Hereditary Cancer Syndrome; Hereditary neoplastic syndrome. Identifiers: Orphanet 140162, MedGen C0027672, MeSH D009386, MONDO:0015356.

Submission:

Ambry Genetics
Classification: Uncertain significance for Hereditary cancer-predisposing syndrome. Last evaluated: 2026-05-26. Review status: criteria provided, single submitter. Criteria: Ambry Variant Classification Scheme 2023. Collection method: clinical testing. Allele origin: germline.
Comment: The p.G272C variant (also known as c.814G>T), located in coding exon 3 of the PHOX2B gene, results from a G to T substitution at nucleotide position 814. The glycine at codon 272 is replaced by cysteine, an amino acid with highly dissimilar properties. This amino acid position is conserved. In addition, the in silico prediction for this alteration is inconclusive. Based on the available evidence, the clinical significance of this variant remains unclear.

NM_003924.4(PHOX2B):c.814G>T (p.Gly272Cys)

Gene: PHOX2B (paired like homeobox 2B; minus strand). Cytogenetic location: 4p13.
Variant type: single nucleotide variant.
Coding change: c.814G>T on transcript NM_003924.4 (MANE Select); coding-DNA position 814, G replaced by T.
Protein change: p.Gly272Cys; replaces glycine 272 with cysteine.
Molecular consequence: missense variant.
Genome position (GRCh38, 1-based): chr4:41,745,938, C>A on the plus strand (G>T on the coding strand, the complement: PHOX2B is on the minus strand). VCF-style: chr4-41745938-C-A. GRCh37 (hg19) VCF-style: chr4-41747955-C-A.
Other names: short protein forms G272C.
Identifiers: ClinVar variation 4861819 (VCV004861819.1).